The following is an entry in ClinVar:

NM_001387430.1(SH2B1):c.2173G>A (p.Val725Met)

Gene: SH2B1 (SH2B adaptor protein 1; plus strand). Cytogenetic location: 16p11.2.
Variant type: single nucleotide variant.
Coding change: c.2173G>A on transcript NM_001387430.1 (MANE Select); coding-DNA position 2173, G replaced by A.
Protein change: p.Val725Met; replaces valine 725 with methionine.
Molecular consequence: missense variant. On other transcripts: 3 prime UTR variant (5).
Genome position (GRCh38, 1-based): chr16:28,873,722, G>A. VCF-style: chr16-28873722-G-A. GRCh37 (hg19) VCF-style: chr16-28885043-G-A.
Other names: c.2173G>A (NM_001145795.1); c.2173G>A, p.Val725Met (NM_001145795.2, NM_001308293.2, NM_001387404.1); c.*257G>A (NM_001145796.2, NM_001145812.2, NM_001308294.2 and 1 more transcripts); c.*274G>A (NM_001145797.2); short protein forms V725M.
Identifiers: ClinVar variation 2959278 (VCV002959278.6), dbSNP rs1050082155, ClinGen allele CA279223700.
Genomic context (GRCh38, chr16:28,873,722, plus strand): 5'-GAAGAGGCCATAGCCCCAGGCTCAGAGGCCCAGGGCGCTGGGTCTGGTGGGGACGCGGGG[G>A]TGCCCCCAATGGTGCAGCTGCAGCAGTCACCACTAGGGGGTGATGGAGAGGAAGGGGGCC-3'
Protein context (NP_001374359.1, residues 715-735): QGAGSGGDAG[Val725Met]PPMVQLQQSP

ClinVar aggregate classification (germline): Conflicting classifications of pathogenicity. Review status: criteria provided, conflicting classifications (1 of 4 stars). 3 submissions from 3 submitters: Uncertain significance (1); Likely benign (1). 1 of the submissions does not count toward it. Last evaluated 2025-02-16.

Conditions:
SH2B1-related disorder. Also called: SH2B1-related condition.

Allele frequency attached by ClinVar (database versions not stated): TOPMed 0.00001; gnomAD 0.00002.
gnomAD v4.1: 23 of 1,497,094 alleles (0.0015%); highest among the groups gnomAD compares: Non-Finnish European, 0.0019%; no homozygotes.

Submissions (3):

Laboratory of Genetics, Children's Clinical University Hospital Latvia
Classification: Likely benign. Last evaluated: 2025-02-16. Review status: criteria provided, single submitter. Criteria: ACMG Guidelines, 2015. Collection method: clinical testing. Allele origin: germline. Affected: yes.

Labcorp Genetics (formerly Invitae), Labcorp
Classification: Uncertain significance. Last evaluated: 2023-06-20. Review status: criteria provided, single submitter. Criteria: Invitae Variant Classification Sherloc (09022015). Collection method: clinical testing. Allele origin: germline.
Comment: In summary, the available evidence is currently insufficient to determine the role of this variant in disease. Therefore, it has been classified as a Variant of Uncertain Significance. Algorithms developed to predict the effect of missense changes on protein structure and function output the following: SIFT: "Not Available"; PolyPhen-2: "Benign"; Align-GVGD: "Not Available". The methionine amino acid residue is found in multiple mammalian species, which suggests that this missense change does not adversely affect protein function. This variant has not been reported in the literature in individuals affected with SH2B1-related conditions. This variant is present in population databases (no rsID available, gnomAD 0.008%). This sequence change replaces valine, which is neutral and non-polar, with methionine, which is neutral and non-polar, at codon 725 of the SH2B1 protein (p.Val725Met).

PreventionGenetics, part of Exact Sciences
Classification: Uncertain significance for SH2B1-related condition. Last evaluated: 2024-09-11. Review status: no assertion criteria provided. Collection method: clinical testing. Allele origin: germline. Not counted in ClinVar's aggregate classification.
Comment: The SH2B1 c.2173G>A variant is predicted to result in the amino acid substitution p.Val725Met. To our knowledge, this variant has not been reported in the literature. This variant is reported in 0.0090% of alleles in individuals of European (non-Finnish) descent in gnomAD. At this time, the clinical significance of this variant is uncertain due to the absence of conclusive functional and genetic evidence.